The following is an entry in ClinVar:

NM_021098.3(CACNA1H):c.1215G>A (p.Val405=)

Gene: CACNA1H (calcium voltage-gated channel subunit alpha1 H; plus strand). Cytogenetic location: 16p13.3.
Variant type: single nucleotide variant.
Coding change: c.1215G>A on transcript NM_021098.3 (MANE Select); coding-DNA position 1215, G replaced by A.
Protein change: p.Val405=; no amino-acid change (valine 405 retained).
Molecular consequence: synonymous variant.
Genome position (GRCh38, 1-based): chr16:1,201,665, G>A. VCF-style: chr16-1201665-G-A. GRCh37 (hg19) VCF-style: chr16-1251665-G-A.
Other names: c.1215G>A, p.Val405= (NM_001005407.2).
Identifiers: ClinVar variation 2195330 (VCV002195330.4), dbSNP rs773974925, ClinGen allele CA7799878.

ClinVar aggregate classification (germline): Uncertain significance (1 of 4 stars; one submission).

Conditions:
Hyperaldosteronism, familial, type IV (HALD4). Also called: FH IV; ALDOSTERONISM, PRIMARY, AND HYPERTENSION. Identifiers: Orphanet 642671, MedGen C4310756, MONDO:0014875, OMIM 617027.
Idiopathic generalized epilepsy. Also called: Generalised epilepsy; EIG. Identifiers: MedGen C0270850, MONDO:0005579, OMIM 600669.

Allele frequency attached by ClinVar (database versions not stated): gnomAD exomes 0.00001; ExAC 0.00002.
gnomAD v4.1: 7 of 1,593,134 alleles (0.00044%); highest among the groups gnomAD compares: Middle Eastern, 0.081%; no homozygotes.

Submission:

Labcorp Genetics (formerly Invitae), Labcorp
Classification: Uncertain significance for Idiopathic generalized epilepsy; Hyperaldosteronism, familial, type IV. Last evaluated: 2024-02-26. Review status: criteria provided, single submitter. Criteria: Invitae Variant Classification Sherloc (09022015). Collection method: clinical testing. Allele origin: germline.
Comment: This sequence change affects codon 405 of the CACNA1H mRNA. It is a 'silent' change, meaning that it does not change the encoded amino acid sequence of the CACNA1H protein. This variant is not present in population databases (gnomAD no frequency). This variant has not been reported in the literature in individuals affected with CACNA1H-related conditions. ClinVar contains an entry for this variant (Variation ID: 2195330). Algorithms developed to predict the effect of sequence changes on RNA splicing suggest that this variant may create or strengthen a splice site. In summary, the available evidence is currently insufficient to determine the role of this variant in disease. Therefore, it has been classified as a Variant of Uncertain Significance.